The following is an entry in ClinVar:

ClinVar aggregate classification (germline): Uncertain significance. Review status: criteria provided, multiple submitters, no conflicts (2 of 4 stars). 2 submissions from 2 submitters: Uncertain significance (2). Last evaluated 2025-07-24.

Conditions:
Inborn genetic diseases. Identifiers: MedGen C0950123, MeSH D030342.

Allele frequency attached by ClinVar (database versions not stated): gnomAD exomes 0.00001; TOPMed 0.00001; ExAC 0.00002; gnomAD 0.00003.
gnomAD v4.1: 12 of 1,599,630 alleles (0.00075%); highest among the groups gnomAD compares: East Asian, 0.0045%; no homozygotes.

Submissions (2):

Labcorp Genetics (formerly Invitae), Labcorp
Classification: Uncertain significance. Last evaluated: 2025-07-24. Review status: criteria provided, single submitter. Criteria: Invitae Variant Classification Sherloc (09022015). Collection method: clinical testing. Allele origin: germline.
Comment: This sequence change replaces arginine, which is basic and polar, with glutamine, which is neutral and polar, at codon 1115 of the MYH3 protein (p.Arg1115Gln). This variant is present in population databases (rs748991696, gnomAD 0.002%). This variant has not been reported in the literature in individuals affected with MYH3-related conditions. ClinVar contains an entry for this variant (Variation ID: 1432626). Invitae Evidence Modeling of protein sequence and biophysical properties (such as structural, functional, and spatial information, amino acid conservation, physicochemical variation, residue mobility, and thermodynamic stability) indicates that this missense variant is not expected to disrupt MYH3 protein function with a negative predictive value of 95%. In summary, the available evidence is currently insufficient to determine the role of this variant in disease. Therefore, it has been classified as a Variant of Uncertain Significance.

Ambry Genetics
Classification: Uncertain significance for Inborn genetic diseases. Last evaluated: 2023-05-23. Review status: criteria provided, single submitter. Criteria: Ambry Variant Classification Scheme 2023. Collection method: clinical testing. Allele origin: germline.

NM_002470.4(MYH3):c.3344G>A (p.Arg1115Gln)

Gene: MYH3 (myosin heavy chain 3; minus strand). Cytogenetic location: 17p13.1.
Variant type: single nucleotide variant.
Coding change: c.3344G>A on transcript NM_002470.4 (MANE Select); coding-DNA position 3344, G replaced by A.
Protein change: p.Arg1115Gln; replaces arginine 1115 with glutamine.
Molecular consequence: missense variant.
Genome position (GRCh38, 1-based): chr17:10,638,428, C>T on the plus strand (G>A on the coding strand, the complement: MYH3 is on the minus strand). VCF-style: chr17-10638428-C-T. GRCh37 (hg19) VCF-style: chr17-10541745-C-T.
Other names: c.3344G>A (NM_002470.3); short protein forms R1115Q.
Identifiers: ClinVar variation 1432626 (VCV001432626.7), dbSNP rs748991696, ClinGen allele CA8392544.